The following is an entry in ClinVar:

NM_001844.5(COL2A1):c.3219del (p.Gly1074fs)

Gene: COL2A1 (collagen type II alpha 1 chain; minus strand). Cytogenetic location: 12q13.11.
Variant type: Deletion.
Coding change: c.3219del on transcript NM_001844.5 (MANE Select); coding-DNA position 3219, one base deleted (T; older notation c.3219delT).
Protein change: p.Gly1074fs; shifts the reading frame from glycine 1074.
Molecular consequence: frameshift variant.
Genome position (GRCh38, 1-based): chr12:47,977,374, A deleted on the plus strand (T on the coding strand, the reverse complement: COL2A1 is on the minus strand). VCF-style (leftmost placement, unchanged base first): chr12-47977373-CA-C. GRCh37 (hg19) VCF-style: chr12-48371156-CA-C.
Other names: c.3012del, p.Gly1005fs (NM_033150.3); short protein forms G1005fs, G1074fs.
Identifiers: ClinVar variation 1451657 (VCV001451657.6), dbSNP rs2136521461, ClinGen allele CA2573148620.

ClinVar aggregate classification (germline): Pathogenic (1 of 4 stars; one submission).

Submission:

Labcorp Genetics (formerly Invitae), Labcorp
Classification: Pathogenic. Last evaluated: 2021-04-08. Review status: criteria provided, single submitter. Criteria: Invitae Variant Classification Sherloc (09022015). Collection method: clinical testing. Allele origin: germline.
Comment: For these reasons, this variant has been classified as Pathogenic. This variant has not been reported in the literature in individuals with COL2A1-related conditions. This variant is not present in population databases (ExAC no frequency). This sequence change creates a premature translational stop signal (p.Gly1074Alafs*56) in the COL2A1 gene. It is expected to result in an absent or disrupted protein product. Loss-of-function variants in COL2A1 are known to be pathogenic (PMID: 20179744).

Literature cited by the submitters: PubMed 20179744.